The following is an entry in ClinVar:

ClinVar aggregate classification (germline): Uncertain significance (1 of 4 stars; one submission).

Submission:

GeneDx
Classification: Uncertain significance. Last evaluated: 2026-02-10. Review status: criteria provided, single submitter. Criteria: GeneDx Variant Classification Process June 2021. Collection method: clinical testing. Allele origin: germline.
Comment: Not observed at significant frequency in large population cohorts (gnomAD); In silico analysis supports that this missense variant has a deleterious effect on protein structure/function; Has not been previously published as pathogenic or benign to our knowledge

NM_000070.3(CAPN3):c.1103C>T (p.Ser368Phe)

Gene: CAPN3 (calpain 3; plus strand). Cytogenetic location: 15q15.1.
Variant type: single nucleotide variant.
Coding change: c.1103C>T on transcript NM_000070.3 (MANE Select); coding-DNA position 1103, C replaced by T.
Protein change: p.Ser368Phe; replaces serine 368 with phenylalanine.
Molecular consequence: missense variant.
Genome position (GRCh38, 1-based): chr15:42,394,329, C>T. VCF-style: chr15-42394329-C-T. GRCh37 (hg19) VCF-style: chr15-42686527-C-T.
Other names: c.1103C>T, p.Ser368Phe (NM_024344.2); c.959C>T, p.Ser320Phe (NM_173087.2); short protein forms S320F, S368F.
Identifiers: ClinVar variation 4976294 (VCV004976294.1).
Genomic context (GRCh38, chr15:42,394,329, plus strand): 5'-GTGAGAAAGTGAAGCTGGTGCGGCTGCGGAATCCGTGGGGCCAGGTGGAGTGGAACGGTT[C>T]TTGGAGTGATAGGTAGGTGAGGGGACCCCACGGGATTGGCGGTGGCGGGGAACAGGGTCC-3'
Protein context (NP_000061.1, residues 358-378): NPWGQVEWNG[Ser368Phe]WSDRWKDWSF